The following is an entry in ClinVar:

ClinVar aggregate classification (germline): Likely benign. Review status: criteria provided, multiple submitters, no conflicts (2 of 4 stars). 2 submissions from 2 submitters: Likely benign (2). Last evaluated 2025-07-10.

Conditions:
RP1L1-related disorder. Also called: RP1L1-related condition.

gnomAD v4.1: 89 of 1,613,638 alleles (0.0055%); highest among the groups gnomAD compares: Middle Eastern, 0.05%; no homozygotes.

Submissions (2):

PreventionGenetics, part of Exact Sciences
Classification: Likely benign for RP1L1-related condition. Last evaluated: 2025-07-10. Review status: criteria provided, single submitter. Criteria: ACMG Guidelines, 2015. Collection method: clinical testing. Allele origin: germline.
Comment: This variant is classified as likely benign based on ACMG/AMP sequence variant interpretation guidelines (Richards et al. 2015 PMID: 25741868, with internal and published modifications).

Blueprint Genetics
Classification: Likely benign. Last evaluated: 2024-01-30. Review status: criteria provided, single submitter. Criteria: ACMG Guidelines, 2015. Collection method: clinical testing. Allele origin: germline.

NM_178857.6(RP1L1):c.2298G>A (p.Ala766=)

Gene: RP1L1 (RP1 like 1). Cytogenetic location: 8p23.1.
Variant type: single nucleotide variant.
Coding change: c.2298G>A on transcript NM_178857.6 (MANE Select); coding-DNA position 2298, G replaced by A.
Protein change: p.Ala766=; no amino-acid change (alanine 766 retained).
Molecular consequence: synonymous variant.
Genome position (GRCh38, 1-based): chr8:10,611,800, C>T on the plus strand (G>A on the coding strand, the complement: RP1L1 is on the minus strand). VCF-style: chr8-10611800-C-T. GRCh37 (hg19) VCF-style: chr8-10469310-C-T.
Other names: c.2298G>A (NM_178857.5).
Identifiers: ClinVar variation 4899305 (VCV004899305.2).